The following is an entry in ClinVar:

ClinVar aggregate classification (germline): Benign (1 of 4 stars; one submission).

Allele frequency attached by ClinVar (database versions not stated): 1000 Genomes Project 0.00080; 1000 Genomes Project 30x 0.00109; ESP Exome Variant Server 0.00169; gnomAD 0.00250; TOPMed 0.00272; ExAC 0.00283; gnomAD exomes 0.00361.
gnomAD v4.1: 5,091 of 1,459,896 alleles (0.35%); highest among the groups gnomAD compares: Middle Eastern, 0.4%; 16 homozygotes.

Submission:

CeGaT Center for Human Genetics Tuebingen
Classification: Benign. Last evaluated: 2026-10-01. Review status: criteria provided, single submitter. Criteria: CeGaT Center For Human Genetics Tuebingen Variant Classification Criteria Version 2. Collection method: clinical testing. Allele origin: germline. Affected: yes. Observed: 41 variant alleles.
Comment: SMARCB1: BS1, BS2

NM_003073.5(SMARCB1):c.*2684G>A

Genes: DERL3 (derlin 3; minus strand), SMARCB1 (SWI/SNF related BAF chromatin remodeling complex subunit B1; plus strand). Cytogenetic location: 22q11.23.
Variant type: single nucleotide variant.
Coding change: c.*2684G>A on transcript NM_003073.5 (MANE Select); 2684 bases downstream of the stop codon, G replaced by A.
Molecular consequence: 3 prime UTR variant. On other transcripts: intron variant (2).
Genome position (GRCh38, 1-based): chr22:23,836,864, G>A. VCF-style: chr22-23836864-G-A. GRCh37 (hg19) VCF-style: chr22-24179051-G-A.
Other names: c.*2684G>A (NM_001007468.3, NM_001317946.2, NM_001362877.2); c.*5C>T (NM_001002862.3); c.*196C>T (NM_198440.4); c.614+200C>T (NM_001135751.2, NM_001363072.2).
Identifiers: ClinVar variation 1711548 (VCV001711548.30), dbSNP rs200378544, ClinGen allele CA10146209.